The following is an entry in ClinVar:

NM_001319074.4(RAX2):c.298C>T (p.Leu100Phe)

Gene: RAX2 (retina and anterior neural fold homeobox 2; minus strand). Cytogenetic location: 19p13.3.
Variant type: single nucleotide variant.
Coding change: c.298C>T on transcript NM_001319074.4 (MANE Select); coding-DNA position 298, C replaced by T.
Protein change: p.Leu100Phe; replaces leucine 100 with phenylalanine.
Molecular consequence: missense variant.
Genome position (GRCh38, 1-based): chr19:3,770,878, G>A on the plus strand (C>T on the coding strand, the complement: RAX2 is on the minus strand). VCF-style: chr19-3770878-G-A. GRCh37 (hg19) VCF-style: chr19-3770876-G-A.
Other names: c.298C>T, p.Leu100Phe (NM_032753.4); short protein forms L100F.
Identifiers: ClinVar variation 1471040 (VCV001471040.6), dbSNP rs1242412901, ClinGen allele CA403374868.
Genomic context (GRCh38, chr19:3,770,878, plus strand): 5'-GCTCCAGGGGCAGCGACATGGCCGGGGGGCGGGCGAACGGCAGCGCTGGGGCCTCGGGGA[G>A]TCTCGGAGCTGCCACGGCACCCGAGCCTGACTCCAGCCGCTCCTGGCGGCGCCACTTGGC-3'
Protein context (NP_001306003.2, residues 90-110): SGSGAVAAPR[Leu100Phe]PEAPALPFAR

ClinVar aggregate classification (germline): Uncertain significance (1 of 4 stars; one submission).

Allele frequency attached by ClinVar (database versions not stated): TOPMed below 0.00001; gnomAD 0.00001.
gnomAD v4.1: 1 of 1,537,650 alleles (0.000065%); highest among the groups gnomAD compares: African/African-American, 0.0014%; no homozygotes.

Submission:

Labcorp Genetics (formerly Invitae), Labcorp
Classification: Uncertain significance. Last evaluated: 2022-07-18. Review status: criteria provided, single submitter. Criteria: Invitae Variant Classification Sherloc (09022015). Collection method: clinical testing. Allele origin: germline.
Comment: This variant is present in population databases (no rsID available, gnomAD 0.01%). In summary, the available evidence is currently insufficient to determine the role of this variant in disease. Therefore, it has been classified as a Variant of Uncertain Significance. Algorithms developed to predict the effect of missense changes on protein structure and function (SIFT, PolyPhen-2, Align-GVGD) all suggest that this variant is likely to be tolerated. ClinVar contains an entry for this variant (Variation ID: 1471040). This variant has not been reported in the literature in individuals affected with RAX2-related conditions. This sequence change replaces leucine, which is neutral and non-polar, with phenylalanine, which is neutral and non-polar, at codon 100 of the RAX2 protein (p.Leu100Phe).